The following is an entry in ClinVar:

NM_001458.5(FLNC):c.2461A>T (p.Ile821Phe)

Gene: FLNC (filamin C; plus strand). Cytogenetic location: 7q32.1.
Variant type: single nucleotide variant.
Coding change: c.2461A>T on transcript NM_001458.5 (MANE Select); coding-DNA position 2461, A replaced by T.
Protein change: p.Ile821Phe; replaces isoleucine 821 with phenylalanine.
Molecular consequence: missense variant.
Genome position (GRCh38, 1-based): chr7:128,842,865, A>T. VCF-style: chr7-128842865-A-T. GRCh37 (hg19) VCF-style: chr7-128482919-A-T.
Other names: c.2461A>T, p.Ile821Phe (NM_001127487.2); short protein forms I821F.
Identifiers: ClinVar variation 4812593 (VCV004812593.2).

ClinVar aggregate classification (germline): Uncertain significance. Review status: criteria provided, multiple submitters, no conflicts (2 of 4 stars). 2 submissions from 2 submitters: Uncertain significance (2). Last evaluated 2025-07-23.

Conditions:
Distal myopathy with posterior leg and anterior hand involvement. Also called: WILLIAMS DISTAL MYOPATHY. Identifiers: Orphanet 63273, MedGen C3279722, MONDO:0013550, OMIM 614065.
Myofibrillar myopathy 5. Also called: FILAMINOPATHY, AUTOSOMAL DOMINANT; Filaminopathy (type). Identifiers: Orphanet 171445, MedGen C1836050, MONDO:0012289, OMIM 609524.
Hypertrophic cardiomyopathy 26. Also called: Cardiomyopathy, familial hypertrophic, 26. Identifiers: Orphanet 75249, MedGen C4310749, MONDO:0014883, OMIM 617047.

Submissions (2):

Labcorp Genetics (formerly Invitae), Labcorp
Classification: Uncertain significance for Distal myopathy with posterior leg and anterior hand involvement; Myofibrillar myopathy 5; Hypertrophic cardiomyopathy 26. Last evaluated: 2025-07-23. Review status: criteria provided, single submitter. Criteria: Invitae Variant Classification Sherloc (09022015). Collection method: clinical testing. Allele origin: germline.
Comment: This sequence change replaces isoleucine, which is neutral and non-polar, with phenylalanine, which is neutral and non-polar, at codon 821 of the FLNC protein (p.Ile821Phe). This variant is present in population databases (no rsID available, gnomAD 0.0009%). This variant has not been reported in the literature in individuals affected with FLNC-related conditions. Invitae Evidence Modeling of protein sequence and biophysical properties (such as structural, functional, and spatial information, amino acid conservation, physicochemical variation, residue mobility, and thermodynamic stability) has been performed for this missense variant. However, the output from this modeling did not meet the statistical confidence thresholds required to predict the impact of this variant on FLNC protein function. In summary, the available evidence is currently insufficient to determine the role of this variant in disease. Therefore, it has been classified as a Variant of Uncertain Significance.

Blueprint Genetics
Classification: Uncertain significance. Last evaluated: 2024-04-23. Review status: criteria provided, single submitter. Criteria: ACMG Guidelines, 2015. Collection method: clinical testing. Allele origin: germline.